The following is an entry in ClinVar:

ClinVar aggregate classification (germline): Uncertain significance. Review status: criteria provided, multiple submitters, no conflicts (2 of 4 stars). 3 submissions from 3 submitters: Uncertain significance (3). Last evaluated 2026-07-14.

Conditions:
PLEC-related disorder. Also called: PLEC-related disorders; PLEC-related condition.
Epidermolysis bullosa simplex 5C, with pyloric atresia (EBS5C). Also called: PLEC-Related Epidermolysis Bullosa with Pyloric Atresia; Epidermolysis bullosa simplex with pyloric atresia; PLEC1-Related Epidermolysis Bullosa with Pyloric Atresia. Identifiers: Orphanet 158684, MedGen C2677349, MONDO:0012807, OMIM 612138.
Epidermolysis bullosa simplex with nail dystrophy (EBS5D). Identifiers: MedGen C4225309, MONDO:0014661, OMIM 616487.
Autosomal recessive limb-girdle muscular dystrophy type 2Q (LGMDR17). Also called: MUSCULAR DYSTROPHY, LIMB-GIRDLE, AUTOSOMAL RECESSIVE 17. Identifiers: Orphanet 254361, MedGen C3150989, MONDO:0013390, OMIM 613723.
Epidermolysis bullosa simplex 5B, with muscular dystrophy (EBS5B). Also called: EPIDERMOLYSIS BULLOSA SIMPLEX AND LIMB-GIRDLE MUSCULAR DYSTROPHY; Epidermolysis bullosa simplex with muscular dystrophy. Identifiers: Orphanet 257, MedGen C2931072, MONDO:0009181, OMIM 226670.
Epidermolysis bullosa simplex, Ogna type (EBS5A). Also called: Pidermolysis bullosa simplex 5A, Ogna type; EPIDERMOLYSIS BULLOSA SIMPLEX 5A, OGNA TYPE. Identifiers: Orphanet 79401, MedGen C0432317, MONDO:0007555, OMIM 131950.

Allele frequency attached by ClinVar (database versions not stated): TOPMed 0.00001; gnomAD exomes 0.00003; ExAC 0.00009.
gnomAD v4.1: 21 of 1,600,230 alleles (0.0013%); highest among the groups gnomAD compares: South Asian, 0.013%; no homozygotes.

Submissions (3):

PreventionGenetics, part of Exact Sciences
Classification: Uncertain significance for PLEC-related condition. Last evaluated: 2026-07-14. Review status: criteria provided, single submitter. Criteria: ACMG Guidelines, 2015. Collection method: clinical testing. Allele origin: germline.
Comment: The PLEC c.3488G>A variant is predicted to result in the amino acid substitution p.Arg1163Gln. To our knowledge, this variant has not been reported in the literature. This variant is reported in 0.021% of alleles in individuals of South Asian descent in gnomAD. At this time, the clinical significance of this variant is uncertain due to the absence of conclusive functional and genetic evidence.

Labcorp Genetics (formerly Invitae), Labcorp
Classification: Uncertain significance for Autosomal recessive limb-girdle muscular dystrophy type 2Q; Epidermolysis bullosa simplex, Ogna type; Epidermolysis bullosa simplex with nail dystrophy; Epidermolysis bullosa simplex 5C, with pyloric atresia; Epidermolysis bullosa simplex 5B, with muscular dystrophy. Last evaluated: 2025-02-20. Review status: criteria provided, single submitter. Criteria: Invitae Variant Classification Sherloc (09022015). Collection method: clinical testing. Allele origin: germline.
Comment: This sequence change replaces arginine, which is basic and polar, with glutamine, which is neutral and polar, at codon 1163 of the PLEC protein (p.Arg1163Gln). The frequency data for this variant in the population databases is considered unreliable, as metrics indicate poor data quality at this position in the gnomAD database. This variant has not been reported in the literature in individuals affected with PLEC-related conditions. ClinVar contains an entry for this variant (Variation ID: 1059532). Invitae Evidence Modeling of protein sequence and biophysical properties (such as structural, functional, and spatial information, amino acid conservation, physicochemical variation, residue mobility, and thermodynamic stability) indicates that this missense variant is not expected to disrupt PLEC protein function with a negative predictive value of 80%. In summary, the available evidence is currently insufficient to determine the role of this variant in disease. Therefore, it has been classified as a Variant of Uncertain Significance.

Genetic Services Laboratory, University of Chicago
Classification: Uncertain significance. Last evaluated: 2018-04-20. Review status: criteria provided, single submitter. Criteria: ACMG Guidelines, 2015. Collection method: clinical testing. Allele origin: germline. Affected: no.

NM_201384.3(PLEC):c.3407G>A (p.Arg1136Gln)

Gene: PLEC (plectin; minus strand). Cytogenetic location: 8q24.3.
Variant type: single nucleotide variant.
Coding change: c.3407G>A on transcript NM_201384.3 (MANE Select); coding-DNA position 3407, G replaced by A.
Protein change: p.Arg1136Gln; replaces arginine 1136 with glutamine.
Molecular consequence: missense variant.
Genome position (GRCh38, 1-based): chr8:143,927,759, C>T on the plus strand (G>A on the coding strand, the complement: PLEC is on the minus strand). VCF-style: chr8-143927759-C-T. GRCh37 (hg19) VCF-style: chr8-145001927-C-T.
Other names: c.3488G>A, p.Arg1163Gln (NM_000445.5); c.3365G>A, p.Arg1122Gln (NM_201378.4); c.3341G>A, p.Arg1114Gln (NM_201379.3); c.3818G>A, p.Arg1273Gln (NM_201380.4); c.3311G>A, p.Arg1104Gln (NM_201381.3); c.3407G>A, p.Arg1136Gln (NM_201382.4); c.3419G>A, p.Arg1140Gln (NM_201383.3); short protein forms R1104Q, R1114Q, R1122Q, R1136Q, R1140Q, R1163Q, R1273Q.
Identifiers: ClinVar variation 1059532 (VCV001059532.10), dbSNP rs782508056, ClinGen allele CA4927072.